The following is an entry in ClinVar:

NM_170754.4(TNS2):c.1355G>A (p.Arg452His)

Gene: TNS2 (tensin 2; plus strand). Cytogenetic location: 12q13.13.
Variant type: single nucleotide variant.
Coding change: c.1355G>A on transcript NM_170754.4 (MANE Select); coding-DNA position 1355, G replaced by A.
Protein change: p.Arg452His; replaces arginine 452 with histidine.
Molecular consequence: missense variant.
Genome position (GRCh38, 1-based): chr12:53,058,777, G>A. VCF-style: chr12-53058777-G-A. GRCh37 (hg19) VCF-style: chr12-53452561-G-A.
Other names: c.1355G>A, p.Arg452His (NM_001416202.1, NM_001416204.1); c.1286G>A, p.Arg429His (NM_001416203.1, NM_015319.3); c.983G>A, p.Arg328His (NM_198316.2); short protein forms R328H, R452H, R462H, R429H.
Identifiers: ClinVar variation 2321789 (VCV002321789.6), dbSNP rs751070450, ClinGen allele CA6592303.

ClinVar aggregate classification (germline): Uncertain significance. Review status: criteria provided, multiple submitters, no conflicts (2 of 4 stars). 2 submissions from 2 submitters: Uncertain significance (2). Last evaluated 2025-06-12.

Allele frequency attached by ClinVar (database versions not stated): TOPMed 0.00001; gnomAD 0.00001.
gnomAD v4.1: 15 of 1,613,814 alleles (0.00093%); highest among the groups gnomAD compares: African/African-American, 0.0053%; no homozygotes.

Submissions (2):

Labcorp Genetics (formerly Invitae), Labcorp
Classification: Uncertain significance. Last evaluated: 2025-06-12. Review status: criteria provided, single submitter. Criteria: Invitae Variant Classification Sherloc (09022015). Collection method: clinical testing. Allele origin: germline.
Comment: This sequence change replaces arginine, which is basic and polar, with histidine, which is basic and polar, at codon 462 of the TNS2 protein (p.Arg462His). This variant is present in population databases (rs751070450, gnomAD 0.007%). This variant has not been reported in the literature in individuals affected with TNS2-related conditions. ClinVar contains an entry for this variant (Variation ID: 2321789). An algorithm developed to predict the effect of missense changes on protein structure and function (PolyPhen-2) suggests that this variant is likely to be disruptive. In summary, the available evidence is currently insufficient to determine the role of this variant in disease. Therefore, it has been classified as a Variant of Uncertain Significance.

Ambry Genetics
Classification: Uncertain significance. Last evaluated: 2024-12-17. Review status: criteria provided, single submitter. Criteria: Ambry Variant Classification Scheme 2023. Collection method: clinical testing. Allele origin: germline.